The following is an entry in ClinVar:

ClinVar aggregate classification (germline): Uncertain significance (1 of 4 stars; one submission).

Submission:

GeneDx
Classification: Uncertain significance. Last evaluated: 2025-01-15. Review status: criteria provided, single submitter. Criteria: GeneDx Variant Classification Process June 2021. Collection method: clinical testing. Allele origin: germline.
Comment: Not observed at significant frequency in large population cohorts (gnomAD); In-frame deletion of 1 amino acid in a non-repeat region; In silico analysis supports a deleterious effect on protein structure/function; Has not been previously published as pathogenic or benign to our knowledge

NM_001330288.2(SMARCC2):c.2611_2613del (p.Glu871del)

Gene: SMARCC2 (SWI/SNF related BAF chromatin remodeling complex subunit C2; minus strand). Cytogenetic location: 12q13.2.
Variant type: Deletion.
Coding change: c.2611_2613del on transcript NM_001330288.2 (MANE Select); coding-DNA positions 2611 to 2613, 3 bases deleted (GAG; older notation c.2611_2613delGAG).
Protein change: p.Glu871del; deletes glutamic acid 871.
Genome position (GRCh38, 1-based): chr12:56,169,631-56,169,633, CTC deleted on the plus strand (GAG on the coding strand, the reverse complement: SMARCC2 is on the minus strand); deleting any 3 consecutive bases within chr12:56,169,631-56,169,634 gives the same sequence; the c. name uses the placement nearest the transcript's 3' end. VCF-style (leftmost placement, unchanged base first): chr12-56169630-ACTC-A. GRCh37 (hg19) VCF-style: chr12-56563414-ACTC-A.
Other names: c.2611_2613del, p.Glu871del (NM_001130420.3, NM_139067.4); c.2518_2520del, p.Glu840del (NM_003075.5); short protein forms E840del, E871del.
Identifiers: ClinVar variation 3391773 (VCV003391773.2).